The following is an entry in ClinVar:

ClinVar aggregate classification (germline): Likely pathogenic (1 of 4 stars; one submission).

Conditions:
Retinitis pigmentosa 7 (RP7). Identifiers: Orphanet 791, MedGen C1842475, MONDO:0011974, OMIM 608133.

Submission:

3billion
Classification: Likely pathogenic for Retinitis pigmentosa 7. Last evaluated: 2024-06-13. Review status: criteria provided, single submitter. Criteria: ACMG Guidelines, 2015. Collection method: clinical testing. Allele origin: germline. Affected: yes.
Comment: The variant is not observed in the gnomAD v4.0.0 dataset. Predicted Consequence/Location: Missense variant In silico tool predictions suggest damaging effect of the variant on gene or gene product [3Cnet: 0.99 (>=0.6, sensitivity 0.72 and precision 0.9)]. The same nucleotide change resulting in the same amino acid change has been previously reported as pathogenic/likely pathogenic with strong evidence (ClinVar ID: VCV000812386, VCV001175292 /PMID: 16799052, 29769798). The variant has been reported to co-segregate with the disease in at least 5 similarly affected relatives/individuals in the same family or similarly affected unrelated families (PMID: 25447119). Therefore, this variant is classified as Likely pathogenic according to the recommendation of ACMG/AMP guideline.

Literature cited by the submitters: PubMed 25447119; PubMed 16799052.

NM_000322.5(PRPH2):c.594C>A (p.Ser198Arg)

Gene: PRPH2 (peripherin 2; minus strand). Cytogenetic location: 6p21.1.
Variant type: single nucleotide variant.
Coding change: c.594C>A on transcript NM_000322.5 (MANE Select); coding-DNA position 594, C replaced by A.
Protein change: p.Ser198Arg; replaces serine 198 with arginine.
Molecular consequence: missense variant.
Genome position (GRCh38, 1-based): chr6:42,704,599, G>T on the plus strand (C>A on the coding strand, the complement: PRPH2 is on the minus strand). VCF-style: chr6-42704599-G-T. GRCh37 (hg19) VCF-style: chr6-42672337-G-T.
Other names: short protein forms S198R.
Identifiers: ClinVar variation 4292765 (VCV004292765.1).